The following is an entry in ClinVar:

NM_006642.5(SDCCAG8):c.521G>A (p.Arg174Lys)

Gene: SDCCAG8 (SHH signaling and ciliogenesis regulator SDCCAG8; plus strand). Cytogenetic location: 1q43.
Variant type: single nucleotide variant.
Coding change: c.521G>A on transcript NM_006642.5 (MANE Select); coding-DNA position 521, G replaced by A.
Protein change: p.Arg174Lys; replaces arginine 174 with lysine.
Molecular consequence: missense variant. On other transcripts: 5 prime UTR variant (3).
Genome position (GRCh38, 1-based): chr1:243,286,372, G>A. VCF-style: chr1-243286372-G-A. GRCh37 (hg19) VCF-style: chr1-243449674-G-A.
Other names: c.-480G>A (NM_001350247.2); c.521G>A, p.Arg174Lys (NM_001350248.2); c.227G>A, p.Arg76Lys (NM_001350249.2); c.-853G>A (NM_001350251.2); c.-592G>A (NM_001350246.2); short protein forms R174K, R76K.
Identifiers: ClinVar variation 2636786 (VCV002636786.4), dbSNP rs368200875, ClinGen allele CA40420771.

ClinVar aggregate classification (germline): Uncertain significance. Review status: criteria provided, multiple submitters, no conflicts (2 of 4 stars). 3 submissions from 3 submitters: Uncertain significance (3). Last evaluated 2025-01-06.

Conditions:
Early onset severe obesity. Identifiers: MedGen C4013980.
SDCCAG8-related disorder. Also called: SDCCAG8-Related Disorders; SDCCAG8-related condition.

Allele frequency attached by ClinVar (database versions not stated): TOPMed below 0.00001; gnomAD 0.00001; gnomAD exomes 0.00001; ESP Exome Variant Server 0.00008.
gnomAD v4.1: 10 of 1,613,920 alleles (0.00062%); highest among the groups gnomAD compares: Non-Finnish European, 0.00085%; no homozygotes.

Submissions (3):

PreventionGenetics, part of Exact Sciences
Classification: Uncertain significance for SDCCAG8-related condition. Last evaluated: 2025-01-06. Review status: criteria provided, single submitter. Criteria: ACMG Guidelines, 2015. Collection method: clinical testing. Allele origin: germline.
Comment: The SDCCAG8 c.521G>A variant is predicted to result in the amino acid substitution p.Arg174Lys. To our knowledge, this variant has not been reported in the literature. This variant is reported in 0.0015% of alleles in individuals of European (Non-Finnish) descent in gnomAD. At this time, the clinical significance of this variant is uncertain due to the absence of conclusive functional and genetic evidence.

Cambridge Genomics Laboratory, East Genomic Laboratory Hub, NHS Genomic Medicine Service
Classification: Uncertain significance for Severe early-onset obesity. Last evaluated: 2023-08-09. Review status: criteria provided, single submitter. Criteria: ACGS Best Practice Guidelines for Variant Classification in Rare Disease 2020. Collection method: clinical testing. Allele origin: germline. Affected: yes.
Comment: The p.(Arg174Lys) variant is observed in 1/113.624 (0.0009%) alleles from individuals of gnomAD Non Finnish European background in gnomAD All. The p.(Arg174Lys) variant is novel (not in any individuals) in 1kG All. The p.(Arg174Lys) variant is observed in 1/68.024 (0.0015%) alleles from individuals of gnomAD Genomes v3 Non Finnish European background in gnomAD Genomes v3. (PM2 - Moderate) | The p.(Arg174Lys) variant is not predicted to introduce a novel splice site by any splice site algorithm. The p.(Arg174Lys) missense variant is predicted to be tolerated by both SIFT or PolyPhen2. The lysine residue at codon 174 of SDCCAG8 is present in Star-nosed mole and 2 other mammalian species. (BP4 - Supporting)

Blueprint Genetics
Classification: Uncertain significance. Last evaluated: 2018-05-04. Review status: criteria provided, single submitter. Criteria: ACMG Guidelines, 2015. Collection method: clinical testing. Allele origin: germline.